The following is an entry in ClinVar:

ClinVar aggregate classification (germline): Conflicting classifications of pathogenicity. Review status: criteria provided, conflicting classifications (1 of 4 stars). 3 submissions from 3 submitters: Likely pathogenic (2); Uncertain significance (1). Last evaluated 2025-12-17.

Conditions:
DNA ligase IV deficiency. Identifiers: Orphanet 99812, MedGen C1847827, MONDO:0011686, OMIM 606593.
Multiple myeloma (MM). Also called: Multiple myeloma, somatic; Plasma cell myeloma. Identifiers: Orphanet 29073, Orphanet 85443, MedGen C0026764, MeSH D009101, MONDO:0009693, OMIM 254500, HP:0006775.

Allele frequency attached by ClinVar (database versions not stated): gnomAD exomes below 0.00001; TOPMed below 0.00001; ExAC 0.00001; gnomAD 0.00001.
gnomAD v4.1: 4 of 1,614,008 alleles (0.00025%); highest among the groups gnomAD compares: Non-Finnish European, 0.00034%; no homozygotes.

Submissions (3):

Labcorp Genetics (formerly Invitae), Labcorp
Classification: Likely pathogenic for DNA ligase IV deficiency. Last evaluated: 2025-12-17. Review status: criteria provided, single submitter. Criteria: Invitae Variant Classification Sherloc (09022015). Collection method: clinical testing. Allele origin: germline.
Comment: This sequence change replaces lysine, which is basic and polar, with glutamine, which is neutral and polar, at codon 449 of the LIG4 protein (p.Lys449Gln). This variant is present in population databases (rs758694012, gnomAD 0.0009%). This missense change has been observed in individual(s) with LIG4-related conditions (PMID: 27063650, 38165471). In at least one individual the data is consistent with being in trans (on the opposite chromosome) from a pathogenic variant. ClinVar contains an entry for this variant (Variation ID: 433158). Invitae Evidence Modeling of protein sequence and biophysical properties (such as structural, functional, and spatial information, amino acid conservation, physicochemical variation, residue mobility, and thermodynamic stability) indicates that this missense variant is expected to disrupt LIG4 protein function with a positive predictive value of 95%. In summary, the currently available evidence indicates that the variant is pathogenic, but additional data are needed to prove that conclusively. Therefore, this variant has been classified as Likely Pathogenic.

Fulgent Genetics
Classification: Likely pathogenic for Multiple myeloma; DNA ligase IV deficiency. Last evaluated: 2024-03-11. Review status: criteria provided, single submitter. Criteria: ACMG Guidelines, 2015. Collection method: clinical testing. Allele origin: germline.

Molecular Diagnostics Lab, Nemours Children's Health, Delaware
Classification: Uncertain significance. Last evaluated: 2016-01-08. Review status: criteria provided, single submitter. Criteria: ACMG Guidelines, 2015. Collection method: clinical testing. Allele origin: unknown. Affected: yes. Observed: 2 heterozygotes. Clinical features observed: hypogammaglobulinemia, lymphopenia.

Literature cited by the submitters: PubMed 27063650 (cited by Labcorp Genetics (formerly Invitae), Labcorp); PubMed 38165471 (cited by Labcorp Genetics (formerly Invitae), Labcorp).

NM_206937.2(LIG4):c.1345A>C (p.Lys449Gln)

Gene: LIG4 (DNA ligase 4; minus strand). Cytogenetic location: 13q33.3.
Variant type: single nucleotide variant.
Coding change: c.1345A>C on transcript NM_206937.2 (MANE Select); coding-DNA position 1345, A replaced by C.
Protein change: p.Lys449Gln; replaces lysine 449 with glutamine.
Molecular consequence: missense variant.
Genome position (GRCh38, 1-based): chr13:108,209,924, T>G on the plus strand (A>C on the coding strand, the complement: LIG4 is on the minus strand). VCF-style: chr13-108209924-T-G. GRCh37 (hg19) VCF-style: chr13-108862272-T-G.
Other names: c.1345A>C, p.Lys449Gln (NM_001098268.2, NM_001352598.2, NM_001352599.2 and 6 more transcripts); c.1144A>C, p.Lys382Gln (NM_001330595.2); c.1381A>C, p.Lys461Gln (NM_001352604.2); short protein forms K449Q, K461Q, K382Q.
Identifiers: ClinVar variation 433158 (VCV000433158.13), dbSNP rs758694012, ClinGen allele CA7043706.